The following continues an entry in ClinVar:

NM_001267550.2(TTN):c.40558+1G>A

Gene: TTN. ClinVar aggregate classification (germline): Conflicting classifications of pathogenicity. Likely pathogenic (3); Uncertain significance (10).

Submissions 6 to 14 of 14:

Women's Health and Genetics/Laboratory Corporation of America, LabCorp
Classification: Likely pathogenic for Primary familial dilated cardiomyopathy. Last evaluated: 2025-01-17. Review status: criteria provided, single submitter. Criteria: LabCorp Variant Classification Summary - May 2015. Collection method: clinical testing. Allele origin: germline.
Comment: Variant summary: TTN c.32854+1G>A is located in a canonical splice-site and is predicted to affect mRNA splicing resulting in a significantly altered protein due to either exon skipping, shortening, or inclusion of intronic material. Variants that disrupt the consensus splice site are a relatively common cause of aberrant splicing and loss of TTN function. One computational tool predicts the variant abolishes the 5' donor site. However, these predictions have yet to be confirmed by functional studies. Loss of function variants in all TTN bands are strongly associated with a spectrum of autosomal recessive titinopathies when exon expression (proportion spliced in, PSI, 1=complete expression) in skeletal muscle is >0.1 (PMID: 36977548, 39198997, 29598826, 32778822, 29691892, 33449170, 36977548, internal data). In contrast, loss of function variants in all TTN bands are only strongly associated with autosomal dominant TTN-related cardiomyopathies if located in exons constitutively expressed (PSI >0.9) in cardiac muscle, excluding extreme C-terminal exons 359-363 (PMID: 25589632, 31216868, 32964742, 34662387, 27869827, Shetty et al., Nat Cardiovasc Res 2024,, internal data). This variant has a maximum skeletal muscle PSI of 0.875 and a maximum cardiac muscle PSI of 1.000. The variant allele was found at a frequency of 4.4e-05 in 203664 control chromosomes, predominantly at a frequency of 0.0001 within the Non-Finnish European subpopulation in the gnomAD database. c.32854+1G>A has been reported in the literature in the heterozygous state in several individuals affected with Dilated Cardiomyopathy (e.g. Herman_2012, Bagnall_2017), however in one of these cases other potentially causal co-occurring variants were also present. In addition, the variant was also reported in 3 / 13,131 asymptomatic individuals aged 70 years and older without a history of atherothrombotic cardiovascular disease events in the ASPREE study (Lacaze_2021). These data indicate that the variant may be associated with disease. To our knowledge, no experimental evidence demonstrating an impact on protein function has been reported. The following publications have been ascertained in the context of this evaluation (PMID: 25589632, 30535219, 35177841, 28333919, 33226272, 22335739, 34135346, 37652022). ClinVar contains an entry for this variant (Variation ID: 223256). Based on the evidence outlined above, the variant was classified as Likely Pathogenic for both autosomal dominant and autosomal recessive TTN-related conditions.

Blueprint Genetics
Classification: Uncertain significance. Last evaluated: 2024-10-10. Review status: criteria provided, single submitter. Criteria: ACMG Guidelines, 2015. Collection method: clinical testing. Allele origin: germline.

Genomic Medicine Center of Excellence, King Faisal Specialist Hospital and Research Centre
Classification: Uncertain significance for Dilated cardiomyopathy 1G. Last evaluated: 2024-04-04. Review status: criteria provided, single submitter. Criteria: ACMG Guidelines, 2015. Collection method: clinical testing. Allele origin: germline.

Revvity Omics, Revvity
Classification: Uncertain significance. Last evaluated: 2023-03-10. Review status: criteria provided, single submitter. Criteria: ACMG Guidelines, 2015. Collection method: clinical testing. Allele origin: germline.

Laboratory for Molecular Medicine, Mass General Brigham Personalized Medicine
Classification: Uncertain significance. Last evaluated: 2019-01-18. Review status: criteria provided, single submitter. Criteria: LMM Criteria. Collection method: clinical testing. Allele origin: germline. Observed: 1 variant allele.
Comment: The c.32854+1G>A variant in TTN has been reported in 1 individual with DCM, and segregated with disease in 1 affected relative (Herman 2012). This variant has also been identified in 4/15632 European chromosomes by the Exome Aggregation Consortium (ExAC; dbSNP rs368219776). The c.32854+1G>A variant occurs in the invariant region (+/- 1,2) of the splice consensus sequence and is predicted to cause altered splicing leading to an abnormal or absent protein. Splice and other truncating variants in TTN are strongly associated with DCM, particularly if they are located in the exons encoding for the A-band region of the protein (Herman 2012, Pugh 2014). Variants in the I-band, where the c.32854+1G>A variant is located, occur at a greater frequency in controls than in individuals with DCM (Pugh 2014). This decreases the likelihood, but does not rule out that this variant has a role in disease. In summary, while there is some suspicion for a pathogenic role, the clinical significance of the c.32854+1G>A variant is uncertain.

Eurofins Ntd Llc (ga)
Classification: Uncertain significance. Last evaluated: 2018-06-11. Review status: criteria provided, single submitter. Criteria: EGL ClinVar v180209 classification definitions. Collection method: clinical testing. Allele origin: germline. Observed: 3 variant alleles, 3 heterozygotes.

CHEO Genetics Diagnostic Laboratory, Children's Hospital of Eastern Ontario
Classification: Uncertain significance for Cardiomyopathy. Last evaluated: 2017-04-18. Review status: criteria provided, single submitter. Criteria: ACMG Guidelines, 2015. Collection method: clinical testing. Allele origin: germline. Study: Canadian Open Genetics Repository.

Cardiovascular Biomedical Research Unit, Royal Brompton & Harefield NHS Foundation Trust
Classification: Uncertain significance for Primary dilated cardiomyopathy. Last evaluated: 2014-10-08. Review status: criteria provided, single submitter. Criteria: Roberts et al. 2015. Collection method: research. Allele origin: germline. Inheritance: Autosomal dominant inheritance. Affected: no. Observed: 1 variant allele. Study: FHS cohort.
Comment: In the seven cohorts assessed, TTNtv were found in 14% of ambulant DCM, 22% end-stage or familial DCM, and 2% controls. Heterozygous nonsense, frameshift and canonical splice-disrupting variants found in constitutive and other highly utilised exons are highly likely to be pathogenic when identified in individuals with phenotypically confirmed DCM. TTNtv found incidentally in healthy individuals (excluding familial assessment of DCM relatives) are thought to have low penetrance, particularly when identified in exons that are not constitutively expressed in the heart.

Division of Human Genetics, Children's Hospital of Philadelphia
Classification: Uncertain significance for Dilated cardiomyopathy 1G; Tibial muscular dystrophy; Autosomal recessive limb-girdle muscular dystrophy type 2J; Early-onset myopathy with fatal cardiomyopathy; Myopathy, myofibrillar, 9, with early respiratory failure; Hypertrophic cardiomyopathy 9. Last evaluated: 2015-11-13. Review status: no assertion criteria provided. Collection method: research. Allele origin: maternal. Affected: yes. Study: CSER-PediSeq. Not counted in ClinVar's aggregate classification.

Literature cited by the submitters: PubMed 22335739 (cited by 3 submitters); PubMed 28333919 (cited by Labcorp Genetics (formerly Invitae), Labcorp and Women's Health and Genetics/Laboratory Corporation of America, LabCorp); PubMed 30535219 (cited by 3 submitters); PubMed 25589632 (cited by Labcorp Genetics (formerly Invitae), Labcorp and Women's Health and Genetics/Laboratory Corporation of America, LabCorp); PubMed 23975875 (cited by Labcorp Genetics (formerly Invitae), Labcorp); PubMed 27869827 (cited by Labcorp Genetics (formerly Invitae), Labcorp); PubMed 32964742 (cited by Labcorp Genetics (formerly Invitae), Labcorp); PubMed 33226272 (cited by Ambry Genetics and Women's Health and Genetics/Laboratory Corporation of America, LabCorp); PubMed 34135346 (cited by Ambry Genetics and Women's Health and Genetics/Laboratory Corporation of America, LabCorp); PubMed 35177841 (cited by Ambry Genetics and Women's Health and Genetics/Laboratory Corporation of America, LabCorp); PubMed 37652022 (cited by Women's Health and Genetics/Laboratory Corporation of America, LabCorp); PubMed 24503780 (cited by Laboratory for Molecular Medicine, Mass General Brigham Personalized Medicine).